The following is an entry in ClinVar:

NM_000059.4(BRCA2):c.2723A>C (p.Glu908Ala)

Gene: BRCA2 (BRCA2 DNA repair associated; plus strand). Cytogenetic location: 13q13.1.
Variant type: single nucleotide variant.
Coding change: c.2723A>C on transcript NM_000059.4 (MANE Select); coding-DNA position 2723, A replaced by C.
Protein change: p.Glu908Ala; replaces glutamic acid 908 with alanine.
Molecular consequence: missense variant.
Genome position (GRCh38, 1-based): chr13:32,337,078, A>C. VCF-style: chr13-32337078-A-C. GRCh37 (hg19) VCF-style: chr13-32911215-A-C.
Other names: short protein forms E908A.
Identifiers: ClinVar variation 185531 (VCV000185531.18), dbSNP rs786202254, ClinGen allele CA016168.

ClinVar aggregate classification (germline): Conflicting classifications of pathogenicity. Review status: criteria provided, conflicting classifications (1 of 4 stars). 5 submissions from 5 submitters: Uncertain significance (4); Likely benign (1). Last evaluated 2025-05-04.

Conditions:
Hereditary cancer-predisposing syndrome. Also called: Hereditary neoplastic syndrome; Neoplastic Syndromes, Hereditary; Tumor predisposition; Hereditary Cancer Syndrome. Identifiers: Orphanet 140162, MedGen C0027672, MeSH D009386, MONDO:0015356.
Hereditary breast ovarian cancer syndrome. Also called: Hereditary breast and ovarian cancer syndrome (HBOC); Breast and ovarian cancer; Hereditary breast and/or ovarian cancer syndrome; BRCA1- and BRCA2-Associated Hereditary Breast and Ovarian Cancer; Hereditary breast and ovarian cancer syndrome; Hereditary breast and ovarian cancer. Identifiers: Orphanet 145, MedGen C0677776, MeSH D061325, MONDO:0003582. Disease mechanism: loss of function.

Allele frequency attached by ClinVar (database versions not stated): gnomAD exomes below 0.00001.
gnomAD v4.1: 1 of 1,610,632 alleles (0.000062%); highest among the groups gnomAD compares: Non-Finnish European, 0.000085%; no homozygotes.

Submissions (5):

Labcorp Genetics (formerly Invitae), Labcorp
Classification: Uncertain significance for Hereditary breast ovarian cancer syndrome. Last evaluated: 2025-05-04. Review status: criteria provided, single submitter. Criteria: Invitae Variant Classification Sherloc (09022015). Collection method: clinical testing. Allele origin: germline.
Comment: This sequence change replaces glutamic acid, which is acidic and polar, with alanine, which is neutral and non-polar, at codon 908 of the BRCA2 protein (p.Glu908Ala). This variant is not present in population databases (gnomAD no frequency). This variant has not been reported in the literature in individuals affected with BRCA2-related conditions. ClinVar contains an entry for this variant (Variation ID: 185531). Invitae Evidence Modeling of protein sequence and biophysical properties (such as structural, functional, and spatial information, amino acid conservation, physicochemical variation, residue mobility, and thermodynamic stability) indicates that this missense variant is not expected to disrupt BRCA2 protein function with a negative predictive value of 95%. In summary, the available evidence is currently insufficient to determine the role of this variant in disease. Therefore, it has been classified as a Variant of Uncertain Significance.

Ambry Genetics
Classification: Uncertain significance for Hereditary cancer-predisposing syndrome. Last evaluated: 2025-03-14. Review status: criteria provided, single submitter. Criteria: Ambry Variant Classification Scheme 2023. Collection method: clinical testing. Allele origin: germline.
Comment: The p.E908A variant (also known as c.2723A>C), located in coding exon 10 of the BRCA2 gene, results from an A to C substitution at nucleotide position 2723. The glutamic acid at codon 908 is replaced by alanine, an amino acid with dissimilar properties. This amino acid position is well conserved in available vertebrate species. In addition, the in silico prediction for this alteration is inconclusive. Since supporting evidence is limited at this time, the clinical significance of this alteration remains unclear.

Quest Diagnostics Nichols Institute San Juan Capistrano
Classification: Uncertain significance. Last evaluated: 2024-01-31. Review status: criteria provided, single submitter. Criteria: Quest Diagnostics criteria. Collection method: clinical testing. Allele origin: unknown.
Comment: The BRCA2 c.2723A>C (p.Glu908Ala) variant has been reported in the published literature to be located in a region of the BRCA2 gene that is tolerant to missense sequence changes (PMID: 31911673 (2020)). To the best of our knowledge, this variant has not been reported in individuals with BRCA2 -related disorders. This variant has not been reported in large, multi-ethnic general populations (Genome Aggregation Database). Analysis of this variant using bioinformatics tools for the prediction of the effect of amino acid changes on protein structure and function yielded conflicting predictions that this variant is benign or damaging. Based on the available information, we are unable to determine the clinical significance of this variant.

University of Washington Department of Laboratory Medicine, University of Washington
Classification: Likely benign for Hereditary cancer-predisposing syndrome. Last evaluated: 2023-03-23. Review status: criteria provided, single submitter. Criteria: Dines et al. (Genet Med. 2020). Collection method: curation. Allele origin: germline.
Comment: Missense variant in a coldspot region where missense variants are very unlikely to be pathogenic (PMID:31911673).

BRCA2 exon 11 coldspot. Reclassification based on statistical prior probability.

Color Diagnostics, LLC DBA Color Health
Classification: Uncertain significance for Hereditary cancer-predisposing syndrome. Last evaluated: 2021-04-06. Review status: criteria provided, single submitter. Criteria: ACMG Guidelines, 2015. Collection method: clinical testing. Allele origin: germline.
Comment: This missense variant replaces glutamic acid with alanine at codon 908 of the BRCA2 protein. Computational prediction suggests that this variant may not impact protein structure and function (internally defined REVEL score threshold <= 0.5, PMID: 27666373). To our knowledge, functional studies have not been reported for this variant. This variant has not been reported in individuals affected with hereditary cancer in the literature. This variant has not been identified in the general population by the Genome Aggregation Database (gnomAD). The available evidence is insufficient to determine the role of this variant in disease conclusively. Therefore, this variant is classified as a Variant of Uncertain Significance.

Literature cited by the submitters: PubMed 31911673 (cited by Quest Diagnostics Nichols Institute San Juan Capistrano).